The following is an entry in ClinVar:

ClinVar aggregate classification (germline): Conflicting classifications of pathogenicity. Review status: criteria provided, conflicting classifications (1 of 4 stars). 2 submissions from 2 submitters: Uncertain significance (1); Likely benign (1). Last evaluated 2025-11-06.

Conditions:
Hypertrophic cardiomyopathy 26. Also called: Cardiomyopathy, familial hypertrophic, 26. Identifiers: Orphanet 75249, MedGen C4310749, MONDO:0014883, OMIM 617047.
Myofibrillar myopathy 5. Also called: FILAMINOPATHY, AUTOSOMAL DOMINANT; Filaminopathy (type). Identifiers: Orphanet 171445, MedGen C1836050, MONDO:0012289, OMIM 609524.
Distal myopathy with posterior leg and anterior hand involvement. Also called: WILLIAMS DISTAL MYOPATHY. Identifiers: Orphanet 63273, MedGen C3279722, MONDO:0013550, OMIM 614065.
Cardiovascular phenotype. Identifiers: MedGen CN230736.

Allele frequency attached by ClinVar (database versions not stated): TOPMed 0.00002.
gnomAD v4.1: 24 of 1,612,338 alleles (0.0015%); highest among the groups gnomAD compares: African/African-American, 0.0027%; no homozygotes.

Submissions (2):

Labcorp Genetics (formerly Invitae), Labcorp
Classification: Likely benign for Distal myopathy with posterior leg and anterior hand involvement; Myofibrillar myopathy 5; Hypertrophic cardiomyopathy 26. Last evaluated: 2025-11-06. Review status: criteria provided, single submitter. Criteria: Invitae Variant Classification Sherloc (09022015). Collection method: clinical testing. Allele origin: germline.

Ambry Genetics
Classification: Uncertain significance for Cardiovascular phenotype. Last evaluated: 2022-11-22. Review status: criteria provided, single submitter. Criteria: Ambry Variant Classification Scheme 2023. Collection method: clinical testing. Allele origin: germline.
Comment: The p.V2331L variant (also known as c.6991G>T), located in coding exon 41 of the FLNC gene, results from a G to T substitution at nucleotide position 6991. The valine at codon 2331 is replaced by leucine, an amino acid with highly similar properties. This amino acid position is not well conserved in available vertebrate species. In addition, this alteration is predicted to be tolerated by in silico analysis. Since supporting evidence is limited at this time, the clinical significance of this alteration remains unclear.

NM_001458.5(FLNC):c.6991G>T (p.Val2331Leu)

Genes: FLNC-AS1 (FLNC antisense RNA 1; minus strand), FLNC (filamin C; plus strand). Cytogenetic location: 7q32.1.
Variant type: single nucleotide variant.
Coding change: c.6991G>T on transcript NM_001458.5 (MANE Select); coding-DNA position 6991, G replaced by T.
Protein change: p.Val2331Leu; replaces valine 2331 with leucine.
Molecular consequence: missense variant.
Genome position (GRCh38, 1-based): chr7:128,854,676, G>T. VCF-style: chr7-128854676-G-T. GRCh37 (hg19) VCF-style: chr7-128494730-G-T.
Other names: c.6892G>T, p.Val2298Leu (NM_001127487.2); short protein forms V2298L, V2331L.
Identifiers: ClinVar variation 957624 (VCV000957624.11), dbSNP rs191288058, ClinGen allele CA4476128.